The following is an entry in ClinVar:

ClinVar aggregate classification (germline): Likely pathogenic (1 of 4 stars; one submission).

Conditions:
Intellectual developmental disorder, X-linked 90. Also called: DLG3-Related X-Linked Nonsyndromic Mental Retardation; Intellectual disability, X-linked 90. Identifiers: Orphanet 777, MedGen C3275443, MONDO:0010452, OMIM 300850.

Submission:

Juno Genomics, Hangzhou Juno Genomics, Inc
Classification: Likely pathogenic for Intellectual developmental disorder, X-linked 90. Review status: criteria provided, single submitter. Criteria: ACMG Guidelines, 2015. Collection method: clinical testing. Allele origin: germline. Affected: yes.
Comment: Absent from controls (or at extremely low frequency if recessive) in Genome Aggregation Database.;Null variant in a gene where loss of function (LOF) is a known mechanism of disease.

NM_021120.4(DLG3):c.615_620delinsA (p.Ala206fs)

Gene: DLG3 (discs large MAGUK scaffold protein 3; plus strand). Cytogenetic location: Xq13.1.
Variant type: Indel.
Coding change: c.615_620delinsA on transcript NM_021120.4 (MANE Select); coding-DNA positions 615 to 620, GGCAGG replaced by A.
Protein change: p.Ala206fs; shifts the reading frame from alanine 206.
Molecular consequence: frameshift variant.
Genome position (GRCh38, 1-based): chrX:70,449,771-70,449,776, GGCAGG replaced by A. VCF-style: chrX-70449771-GGCAGG-A. GRCh37 (hg19) VCF-style: chrX-69669621-GGCAGG-A.
Other names: short protein forms A206fs.
Identifiers: ClinVar variation 5019756 (VCV005019756.1).
Genomic context (GRCh38, chrX:70,449,771, plus strand): 5'-GGTGAATGAGGTGGACGTGTCGGAGGTGGTACACAGCCGGGCGGTGGAGGCGCTGAAGGA[GGCAGG>A]CCCTGTGGTGCGATTGGTGGTGCGGAGGCGACAGCCTCCACCCGAGACCATCATGGAGGT-3'